The following is an entry in ClinVar:

ClinVar aggregate classification (germline): Uncertain significance. Review status: criteria provided, multiple submitters, no conflicts (2 of 4 stars). 4 submissions from 4 submitters: Uncertain significance (4). Last evaluated 2025-01-27.

Conditions:
PKHD1-related disorder. Also called: PKHD1-related condition.
Autosomal recessive polycystic kidney disease (ARPKD). Also called: AR polycystic kidney disease. Identifiers: Orphanet 731, Orphanet 8378, MedGen C0085548, MeSH D017044, MONDO:0009889.

Allele frequency attached by ClinVar (database versions not stated): ExAC 0.00001; gnomAD exomes 0.00002 and 0.00008; gnomAD 0.00003; TOPMed 0.00006.
gnomAD v4.1: 120 of 1,612,546 alleles (0.0074%); highest among the groups gnomAD compares: Non-Finnish European, 0.0095%; no homozygotes.

Submissions (4):

PreventionGenetics, part of Exact Sciences
Classification: Uncertain significance for PKHD1-related condition. Last evaluated: 2025-01-27. Review status: criteria provided, single submitter. Criteria: ACMG Guidelines, 2015. Collection method: clinical testing. Allele origin: germline.
Comment: The PKHD1 c.7192T>G variant is predicted to result in the amino acid substitution p.Trp2398Gly. To our knowledge, this variant has not been reported in the literature. This variant is reported in 0.0053% of alleles in individuals of European (non-Finnish) descent in gnomAD. At this time, the clinical significance of this variant is uncertain due to the absence of conclusive functional and genetic evidence.

GeneDx
Classification: Uncertain significance. Last evaluated: 2025-01-17. Review status: criteria provided, single submitter. Criteria: GeneDx Variant Classification Process June 2021. Collection method: clinical testing. Allele origin: germline. Affected: yes.
Comment: Not observed at significant frequency in large population cohorts (gnomAD); In silico analysis supports that this missense variant has a deleterious effect on protein structure/function; Has not been previously published as pathogenic or benign to our knowledge

Labcorp Genetics (formerly Invitae), Labcorp
Classification: Uncertain significance for Autosomal recessive polycystic kidney disease. Last evaluated: 2022-03-04. Review status: criteria provided, single submitter. Criteria: Invitae Variant Classification Sherloc (09022015). Collection method: clinical testing. Allele origin: germline.
Comment: This sequence change replaces tryptophan, which is neutral and slightly polar, with glycine, which is neutral and non-polar, at codon 2398 of the PKHD1 protein (p.Trp2398Gly). This variant is present in population databases (rs762553057, gnomAD 0.004%). This variant has not been reported in the literature in individuals affected with PKHD1-related conditions. ClinVar contains an entry for this variant (Variation ID: 357432). Advanced modeling of protein sequence and biophysical properties (such as structural, functional, and spatial information, amino acid conservation, physicochemical variation, residue mobility, and thermodynamic stability) performed at Invitae indicates that this missense variant is expected to disrupt PKHD1 protein function. In summary, the available evidence is currently insufficient to determine the role of this variant in disease. Therefore, it has been classified as a Variant of Uncertain Significance.

Illumina Laboratory Services, Illumina
Classification: Uncertain significance for Polycystic kidney disease 4. Last evaluated: 2018-01-12. Review status: criteria provided, single submitter. Criteria: ICSL Variant Classification Criteria 13 December 2019. Collection method: clinical testing. Allele origin: germline.

NM_138694.4(PKHD1):c.7192T>G (p.Trp2398Gly)

Gene: PKHD1 (PKHD1 ciliary IPT domain containing fibrocystin/polyductin; minus strand). Cytogenetic location: 6p12.2.
Variant type: single nucleotide variant.
Coding change: c.7192T>G on transcript NM_138694.4 (MANE Select); coding-DNA position 7192, T replaced by G.
Protein change: p.Trp2398Gly; replaces tryptophan 2398 with glycine.
Molecular consequence: missense variant.
Genome position (GRCh38, 1-based): chr6:51,885,890, A>C on the plus strand (T>G on the coding strand, the complement: PKHD1 is on the minus strand). VCF-style: chr6-51885890-A-C. GRCh37 (hg19) VCF-style: chr6-51750688-A-C.
Other names: c.7192T>G, p.Trp2398Gly (NM_170724.3); short protein forms W2398G.
Identifiers: ClinVar variation 357432 (VCV000357432.8), dbSNP rs762553057, ClinGen allele CA3852022.
Genomic context (GRCh38, chr6:51,885,890, plus strand): 5'-AAACAACAACAATAACAACAACAACAAAAAAGCTTACCTGGGCACCACCTGCACTTTCCC[A>C]AACTGTGAAGCTCTGGAACAGAGTGGTGCCAGTGACATTATCCCAAGGTGGCTGAAATTT-3'
Protein context (NP_619639.3, residues 2388-2408): GTTLFQSFTV[Trp2398Gly]ESAGGAQIFR